The following is an entry in ClinVar:

ClinVar aggregate classification (germline): Likely benign. Review status: criteria provided, multiple submitters, no conflicts (2 of 4 stars). 4 submissions from 4 submitters: Likely benign (4). Last evaluated 2026-06-06.

Conditions:
TTC21B-related disorder. Also called: TTC21B-related condition; TTC21B-related disorders.
Jeune thoracic dystrophy. Also called: Jeune syndrome; Infantile thoracic dystrophy; Thoracic pelvic phalangeal dystrophy; Jeune's syndrome; Chondroectodermal dysplasia-like syndrome; Short-rib thoracic dysplasia. Identifiers: Orphanet 474, MedGen C0265275, MONDO:0018770.
Nephronophthisis. Also called: Juvenile Nephronophthisis. Identifiers: Orphanet 655, MedGen C0687120, MONDO:0019005, HP:0000090.
Asphyxiating thoracic dystrophy 4 (SRTD4). Also called: SHORT-RIB THORACIC DYSPLASIA 4 WITH OR WITHOUT POLYDACTYLY; SHORT-RIB THORACIC DYSPLASIA 4. Identifiers: Orphanet 474, MedGen C3151185, MONDO:0013441, OMIM 613819.
Nephronophthisis 12 (NPHP12). Identifiers: Orphanet 655, MedGen C3151186, MONDO:0013442, OMIM 613820.

Allele frequency attached by ClinVar (database versions not stated): gnomAD exomes 0.00005 and 0.00006; TOPMed 0.00005; gnomAD 0.00006; ExAC 0.00009.
gnomAD v4.1: 82 of 1,613,850 alleles (0.0051%); highest among the groups gnomAD compares: African/African-American, 0.012%; no homozygotes.

Submissions (4):

PreventionGenetics, part of Exact Sciences
Classification: Likely benign for TTC21B-related condition. Last evaluated: 2026-06-06. Review status: criteria provided, single submitter. Criteria: ACMG Guidelines, 2015. Collection method: clinical testing. Allele origin: germline.
Comment: This variant is classified as likely benign based on ACMG/AMP sequence variant interpretation guidelines (Richards et al. 2015 PMID: 25741868, with internal and published modifications).

Labcorp Genetics (formerly Invitae), Labcorp
Classification: Likely benign for Jeune thoracic dystrophy; Nephronophthisis. Last evaluated: 2026-01-14. Review status: criteria provided, single submitter. Criteria: Invitae Variant Classification Sherloc (09022015). Collection method: clinical testing. Allele origin: germline.

Blueprint Genetics
Classification: Likely benign. Last evaluated: 2024-10-28. Review status: criteria provided, single submitter. Criteria: ACMG Guidelines, 2015. Collection method: clinical testing. Allele origin: germline.

Fulgent Genetics
Classification: Likely benign for Asphyxiating thoracic dystrophy 4; Nephronophthisis 12. Last evaluated: 2021-10-20. Review status: criteria provided, single submitter. Criteria: ACMG Guidelines, 2015. Collection method: clinical testing. Allele origin: unknown.

NM_024753.5(TTC21B):c.1743C>T (p.Asp581=)

Gene: TTC21B (tetratricopeptide repeat domain 21B; minus strand). Cytogenetic location: 2q24.3.
Variant type: single nucleotide variant.
Coding change: c.1743C>T on transcript NM_024753.5 (MANE Select); coding-DNA position 1743, C replaced by T.
Protein change: p.Asp581=; no amino-acid change (aspartic acid 581 retained).
Molecular consequence: synonymous variant.
Genome position (GRCh38, 1-based): chr2:165,917,413, G>A on the plus strand (C>T on the coding strand, the complement: TTC21B is on the minus strand). VCF-style: chr2-165917413-G-A. GRCh37 (hg19) VCF-style: chr2-166773923-G-A.
Other names: c.1743C>T (NM_024753.4).
Identifiers: ClinVar variation 1577342 (VCV001577342.11), dbSNP rs200990862, ClinGen allele CA1942027.